The following is an entry in ClinVar:

NM_001034850.3(RETREG1):c.1073G>T (p.Gly358Val)

Gene: RETREG1 (reticulophagy regulator 1; minus strand). Cytogenetic location: 5p15.1.
Variant type: single nucleotide variant.
Coding change: c.1073G>T on transcript NM_001034850.3 (MANE Select); coding-DNA position 1073, G replaced by T.
Protein change: p.Gly358Val; replaces glycine 358 with valine.
Molecular consequence: missense variant.
Genome position (GRCh38, 1-based): chr5:16,475,162, C>A on the plus strand (G>T on the coding strand, the complement: RETREG1 is on the minus strand). VCF-style: chr5-16475162-C-A. GRCh37 (hg19) VCF-style: chr5-16475271-C-A.
Other names: c.650G>T, p.Gly217Val (NM_019000.5); c.1073G>T (NM_001034850.2); short protein forms G217V, G358V.
Identifiers: ClinVar variation 999417 (VCV000999417.10), dbSNP rs772681100, ClinGen allele CA3210246.

ClinVar aggregate classification (germline): Uncertain significance. Review status: criteria provided, multiple submitters, no conflicts (2 of 4 stars). 2 submissions from 2 submitters: Uncertain significance (2). Last evaluated 2025-05-13.

Allele frequency attached by ClinVar (database versions not stated): gnomAD exomes 0.00001 and 0.00004; ExAC 0.00007.
gnomAD v4.1: 18 of 1,613,862 alleles (0.0011%); highest among the groups gnomAD compares: Non-Finnish European, 0.0015%; no homozygotes.

Submissions (2):

GeneDx
Classification: Uncertain significance. Last evaluated: 2025-05-13. Review status: criteria provided, single submitter. Criteria: GeneDx Variant Classification Process June 2021. Collection method: clinical testing. Allele origin: germline. Affected: yes.
Comment: Not observed at significant frequency in large population cohorts (gnomAD); In silico analysis supports that this missense variant has a deleterious effect on protein structure/function; Has not been previously published as pathogenic or benign to our knowledge

Labcorp Genetics (formerly Invitae), Labcorp
Classification: Uncertain significance. Last evaluated: 2020-02-18. Review status: criteria provided, single submitter. Criteria: Invitae Variant Classification Sherloc (09022015). Collection method: clinical testing. Allele origin: germline.
Comment: This variant has not been reported in the literature in individuals with RETREG1-related conditions. This variant is present in population databases (rs772681100, ExAC 0.01%). This sequence change replaces glycine with valine at codon 358 of the RETREG1 protein (p.Gly358Val). The glycine residue is highly conserved and there is a moderate physicochemical difference between glycine and valine. In summary, the available evidence is currently insufficient to determine the role of this variant in disease. Therefore, it has been classified as a Variant of Uncertain Significance. Algorithms developed to predict the effect of sequence changes on RNA splicing suggest that this variant may create or strengthen a splice site, but this prediction has not been confirmed by published transcriptional studies. Algorithms developed to predict the effect of missense changes on protein structure and function are either unavailable or do not agree on the potential impact of this missense change (SIFT: "Deleterious"; PolyPhen-2: "Probably Damaging"; Align-GVGD: "Class C0").